The following is an entry in ClinVar:

ClinVar aggregate classification (germline): Uncertain significance (1 of 4 stars; one submission).

Submission:

GeneDx
Classification: Uncertain significance. Last evaluated: 2024-01-16. Review status: criteria provided, single submitter. Criteria: GeneDx Variant Classification Process June 2021. Collection method: clinical testing. Allele origin: germline. Affected: yes.
Comment: Not observed at significant frequency in large population cohorts (gnomAD); In silico analysis supports that this missense variant has a deleterious effect on protein structure/function; In silico analysis suggests this variant may impact gene splicing. In the absence of RNA/functional studies, the actual effect of this sequence change is unknown.; Has not been previously published as pathogenic or benign to our knowledge

NM_001244008.2(KIF1A):c.4001A>G (p.Asp1334Gly)

Gene: KIF1A (kinesin family member 1A; minus strand). Cytogenetic location: 2q37.3.
Variant type: single nucleotide variant.
Coding change: c.4001A>G on transcript NM_001244008.2 (MANE Select); coding-DNA position 4001, A replaced by G.
Protein change: p.Asp1334Gly; replaces aspartic acid 1334 with glycine.
Molecular consequence: missense variant.
Genome position (GRCh38, 1-based): chr2:240,737,069, T>C on the plus strand (A>G on the coding strand, the complement: KIF1A is on the minus strand). VCF-style: chr2-240737069-T-C. GRCh37 (hg19) VCF-style: chr2-241676486-T-C.
Other names: c.3725A>G, p.Asp1242Gly (NM_001320705.2, NM_001330289.2, NM_001379638.1); c.3800A>G, p.Asp1267Gly (NM_001330290.2, NM_001379634.1, NM_001379635.1 and 1 more transcripts); c.4076A>G, p.Asp1359Gly (NM_001379631.1); c.3950A>G, p.Asp1317Gly (NM_001379632.1); c.3974A>G, p.Asp1325Gly (NM_001379633.1, NM_001379642.1, NM_001379645.1); c.3812A>G, p.Asp1271Gly (NM_001379636.1); c.3773A>G, p.Asp1258Gly (NM_001379637.1, NM_001379648.1); c.3698A>G, p.Asp1233Gly (NM_001379639.1, NM_001379641.1, NM_001379649.1 and 4 more transcripts); and 1 more; short protein forms D1232G, D1233G, D1242G, D1258G, D1267G, D1271G, D1317G, D1325G.
Identifiers: ClinVar variation 3367884 (VCV003367884.1).